The following is an entry in ClinVar:

ClinVar aggregate classification (germline): Uncertain significance (1 of 4 stars; one submission).

Conditions:
Hereditary pancreatitis (PCTT). Also called: Hereditary chronic pancreatitis; PRSS1-Related Hereditary Pancreatitis. Identifiers: Orphanet 676, MedGen C0238339, MONDO:0008185, OMIM 167800.

Submission:

Ambry Genetics
Classification: Uncertain significance for Hereditary pancreatitis. Last evaluated: 2024-02-24. Review status: criteria provided, single submitter. Criteria: Ambry Variant Classification Scheme 2023. Collection method: clinical testing. Allele origin: germline.
Comment: The p.I215V variant (also known as c.643A>G), located in coding exon 6 of the CPA1 gene, results from an A to G substitution at nucleotide position 643. The isoleucine at codon 215 is replaced by valine, an amino acid with highly similar properties. This amino acid position is conserved. In addition, this alteration is predicted to be tolerated by in silico analysis. Based on the available evidence, the clinical significance of this alteration remains unclear.

NM_001868.4(CPA1):c.643A>G (p.Ile215Val)

Gene: CPA1 (carboxypeptidase A1; plus strand). Cytogenetic location: 7q32.2.
Variant type: single nucleotide variant.
Coding change: c.643A>G on transcript NM_001868.4 (MANE Select); coding-DNA position 643, A replaced by G.
Protein change: p.Ile215Val; replaces isoleucine 215 with valine.
Molecular consequence: missense variant.
Genome position (GRCh38, 1-based): chr7:130,383,741, A>G. VCF-style: chr7-130383741-A-G. GRCh37 (hg19) VCF-style: chr7-130023582-A-G.
Other names: short protein forms I215V.
Identifiers: ClinVar variation 3221841 (VCV003221841.1), dbSNP rs2536008832, ClinGen allele CA369282750.